The following is an entry in ClinVar:

NM_004629.2(FANCG):c.1516G>C (p.Asp506His)

Gene: FANCG (FA complementation group G; minus strand). Cytogenetic location: 9p13.3.
Variant type: single nucleotide variant.
Coding change: c.1516G>C on transcript NM_004629.2 (MANE Select); coding-DNA position 1516, G replaced by C.
Protein change: p.Asp506His; replaces aspartic acid 506 with histidine.
Molecular consequence: missense variant.
Genome position (GRCh38, 1-based): chr9:35,075,047, C>G on the plus strand (G>C on the coding strand, the complement: FANCG is on the minus strand). VCF-style: chr9-35075047-C-G. GRCh37 (hg19) VCF-style: chr9-35075044-C-G.
Other names: short protein forms D506H.
Identifiers: ClinVar variation 4619369 (VCV004619369.1).
Genomic context (GRCh38, chr9:35,075,047, plus strand): 5'-CTACCCATTCCAGTCCACGACTAATTAGGGCGGCTGCCCGAAGCTGCTGCAGTGCCGCAT[C>G]TGACTTACATCCCTGCTCACAGTTGAAAGCTGCCCCTGGGGACCACTCCCAAAGTCAAGA-3'
Protein context (NP_004620.1, residues 496-516): AFNCEQGCKS[Asp506His]AALQQLRAAA

ClinVar aggregate classification (germline): Uncertain significance (1 of 4 stars; one submission).

Conditions:
Inborn genetic diseases. Identifiers: MedGen C0950123, MeSH D030342.

Submission:

Ambry Genetics
Classification: Uncertain significance for Inborn genetic diseases. Last evaluated: 2025-10-14. Review status: criteria provided, single submitter. Criteria: Ambry Variant Classification Scheme 2023. Collection method: clinical testing. Allele origin: germline.
Comment: The p.D506H variant (also known as c.1516G>C), located in coding exon 12 of the FANCG gene, results from a G to C substitution at nucleotide position 1516. The aspartic acid at codon 506 is replaced by histidine, an amino acid with similar properties. This amino acid position is conserved. In addition, this alteration is predicted to be tolerated by in silico analysis. Based on the available evidence, the clinical significance of this variant remains unclear.